The following is an entry in ClinVar:

NM_005708.5(GPC6):c.*3723T>G

Gene: GPC6 (glypican 6; plus strand). Cytogenetic location: 13q32.1.
Variant type: single nucleotide variant.
Coding change: c.*3723T>G on transcript NM_005708.5 (MANE Select); 3723 bases downstream of the stop codon, T replaced by G.
Molecular consequence: 3 prime UTR variant.
Genome position (GRCh38, 1-based): chr13:94,406,940, T>G. VCF-style: chr13-94406940-T-G. GRCh37 (hg19) VCF-style: chr13-95059194-T-G.
Identifiers: ClinVar variation 312601 (VCV000312601.6), dbSNP rs15600, ClinGen allele CA10643791.

ClinVar aggregate classification (germline): Benign. Review status: criteria provided, multiple submitters, no conflicts (2 of 4 stars). 2 submissions from 2 submitters: Benign (2). Last evaluated 2018-01-12.

Conditions:
Autosomal recessive omodysplasia (OMOD1). Also called: MICROMELIC DYSPLASIA, CONGENITAL, WITH DISLOCATION OF RADIUS. Identifiers: Orphanet 2733, Orphanet 93329, MedGen C1850318, MONDO:0009779, OMIM 258315.

Allele frequency attached by ClinVar (database versions not stated): 1000 Genomes Project 0.02356; 1000 Genomes Project 30x 0.02405; TOPMed 0.04316; gnomAD 0.04463 and 0.04644.

Submissions (2):

Illumina Laboratory Services, Illumina
Classification: Benign for Autosomal recessive omodysplasia. Last evaluated: 2018-01-12. Review status: criteria provided, single submitter. Criteria: ICSL Variant Classification Criteria 13 December 2019. Collection method: clinical testing. Allele origin: germline.
Comment: This variant was observed in the ICSL laboratory as part of a predisposition screen in an ostensibly healthy population. It had not been previously curated by ICSL or reported in the Human Gene Mutation Database (HGMD: prior to June 1st, 2018), and was therefore a candidate for classification through an automated scoring system. Utilizing variant allele frequency, disease prevalence and penetrance estimates, and inheritance mode, an automated score was calculated to assess if this variant is too frequent to cause the disease. Based on the score and internal cut-off values, a variant classified as benign is not then subjected to further curation. The score for this variant resulted in a classification of benign for this disease.

Breakthrough Genomics
Classification: Benign. Review status: criteria provided, single submitter. Criteria: ACMG Guidelines, 2015. Collection method: not provided. Allele origin: germline. Inheritance: Autosomal recessive inheritance. Affected: yes.